The following is an entry in ClinVar:

NM_016734.3(PAX5):c.233T>A (p.Ile78Asn)

Gene: PAX5 (paired box 5; minus strand). Cytogenetic location: 9p13.2.
Variant type: single nucleotide variant.
Coding change: c.233T>A on transcript NM_016734.3 (MANE Select); coding-DNA position 233, T replaced by A.
Protein change: p.Ile78Asn; replaces isoleucine 78 with asparagine.
Molecular consequence: missense variant. On other transcripts: 5 prime UTR variant (2), non-coding transcript variant (2), intron variant (1).
Genome position (GRCh38, 1-based): chr9:37,015,174, A>T on the plus strand (T>A on the coding strand, the complement: PAX5 is on the minus strand). VCF-style: chr9-37015174-A-T. GRCh37 (hg19) VCF-style: chr9-37015171-A-T.
Other names: c.233T>A, p.Ile78Asn (NM_001280547.2, NM_001280548.2, NM_001280549.2 and 4 more transcripts); c.-92T>A (NM_001280551.2, NM_001280556.2); c.212+5462T>A (NM_001280555.2); short protein forms I78N.
Identifiers: ClinVar variation 4626960 (VCV004626960.1).

ClinVar aggregate classification (germline): Uncertain significance (1 of 4 stars; one submission).

Conditions:
Inborn genetic diseases. Identifiers: MedGen C0950123, MeSH D030342.

Submission:

Ambry Genetics
Classification: Uncertain significance for Inborn genetic diseases. Last evaluated: 2025-11-10. Review status: criteria provided, single submitter. Criteria: Ambry Variant Classification Scheme 2023. Collection method: clinical testing. Allele origin: germline.
Comment: The p.I78N variant (also known as c.233T>A), located in coding exon 3 of the PAX5 gene, results from a T to A substitution at nucleotide position 233. The isoleucine at codon 78 is replaced by asparagine, an amino acid with dissimilar properties. This amino acid position is conserved. In addition, this alteration is predicted to be deleterious by in silico analysis. Based on the available evidence, the clinical significance of this variant remains unclear.